The following is an entry in ClinVar:

NM_014391.3(ANKRD1):c.904A>G (p.Ile302Val)

Gene: ANKRD1 (ankyrin repeat domain 1; minus strand). Cytogenetic location: 10q23.31.
Variant type: single nucleotide variant.
Coding change: c.904A>G on transcript NM_014391.3 (MANE Select); coding-DNA position 904, A replaced by G.
Protein change: p.Ile302Val; replaces isoleucine 302 with valine.
Molecular consequence: missense variant.
Genome position (GRCh38, 1-based): chr10:90,912,922, T>C on the plus strand (A>G on the coding strand, the complement: ANKRD1 is on the minus strand). VCF-style: chr10-90912922-T-C. GRCh37 (hg19) VCF-style: chr10-92672679-T-C.
Other names: short protein forms I302V.
Identifiers: ClinVar variation 965570 (VCV000965570.9), dbSNP rs1847332383, ClinGen allele CA377547736.
Genomic context (GRCh38, chr10:90,912,922, plus strand): 5'-TGCCTCAGAATGTAGCTATGCGAGAGGTCTTGTAGGAGTTCTCTCTGAGGCTGTCGAATA[T>C]TGCTTTGGTTCCATTCTGCCAGTGTAGCACCAGATCCATCGGCGTCTTCCCAGCCTAATC-3'
Protein context (NP_055206.2, residues 292-312): VLHWQNGTKA[Ile302Val]FDSLRENSYK

ClinVar aggregate classification (germline): Uncertain significance (1 of 4 stars; one submission).

Conditions:
ANKRD1-related dilated cardiomyopathy. Identifiers: MedGen CN119551.

Allele frequency attached by ClinVar (database versions not stated): gnomAD exomes below 0.00001.
gnomAD v4.1: 1 of 1,614,096 alleles (0.000062%); highest among the groups gnomAD compares: African/African-American, 0.0013%; no homozygotes.

Submission:

Labcorp Genetics (formerly Invitae), Labcorp
Classification: Uncertain significance for ANKRD1-related dilated cardiomyopathy. Last evaluated: 2019-11-12. Review status: criteria provided, single submitter. Criteria: Invitae Variant Classification Sherloc (09022015). Collection method: clinical testing. Allele origin: germline.
Comment: This variant has not been reported in the literature in individuals with ANKRD1-related conditions. Algorithms developed to predict the effect of missense changes on protein structure and function (SIFT, PolyPhen-2, Align-GVGD) all suggest that this variant is likely to be tolerated, but these predictions have not been confirmed by published functional studies and their clinical significance is uncertain. In summary, the available evidence is currently insufficient to determine the role of this variant in disease. Therefore, it has been classified as a Variant of Uncertain Significance. This variant is not present in population databases (ExAC no frequency). This sequence change replaces isoleucine with valine at codon 302 of the ANKRD1 protein (p.Ile302Val). The isoleucine residue is moderately conserved and there is a small physicochemical difference between isoleucine and valine.